The following is an entry in ClinVar:

ClinVar aggregate classification (germline): Uncertain significance (0 of 4 stars; one submission).

Conditions:
Childhood-onset motor and cognitive regression syndrome with extrapyramidal movement disorder. Also called: NEURODEGENERATION, CHILDHOOD-ONSET, WITH BRAIN ATROPHY. Identifiers: Orphanet 500180, MedGen C4540086, MONDO:0044701, OMIM 617672.

Submission:

Hong-Tao Li Lab, Institute of Brain Science and Brain-inspired Research, Shandong First Medical University & Shandong Academy of Medical Sciences China
Classification: Uncertain significance for Childhood-onset motor and cognitive regression syndrome with extrapyramidal movement disorder. Review status: no assertion criteria provided. Collection method: research. Allele origin: germline. Inheritance: Autosomal dominant inheritance. Affected: yes. Observed: 1 variant allele, 1 heterozygote.
Comment: Observed in affected individuals from a Pakistani neurodevelopmental-disorder research cohort of 263 individuals. Classification assigned using the ACMG/AMP framework. Population-frequency evidence: gnomAD AF 1.193e-05.

NM_014233.4(UBTF):c.1981G>T (p.Gly661Cys)

Genes: ATXN7L3-AS1 (ATXN7L3 antisense RNA 1; plus strand), UBTF (upstream binding transcription factor; minus strand). Cytogenetic location: 17q21.31.
Variant type: single nucleotide variant.
Coding change: c.1981G>T on transcript NM_014233.4 (MANE Select); coding-DNA position 1981, G replaced by T.
Protein change: p.Gly661Cys; replaces glycine 661 with cysteine.
Molecular consequence: missense variant. On other transcripts: non-coding transcript variant (1).
Genome position (GRCh38, 1-based): chr17:44,207,743, C>A on the plus strand (G>T on the coding strand, the complement: UBTF is on the minus strand). VCF-style: chr17-44207743-C-A. GRCh37 (hg19) VCF-style: chr17-42285111-C-A.
Other names: c.1870G>T, p.Gly624Cys (NM_001076683.2, NM_001076684.3); short protein forms G624C, G661C.
Identifiers: ClinVar variation 4884787 (VCV004884787.1).